The following is an entry in ClinVar:

ClinVar aggregate classification (germline): Conflicting classifications of pathogenicity. Review status: criteria provided, conflicting classifications (1 of 4 stars). 3 submissions from 3 submitters: Likely pathogenic (1); Uncertain significance (2). Last evaluated 2025-04-23.

Conditions:
Autosomal dominant distal renal tubular acidosis (DRTA1). Also called: RENAL TUBULAR ACIDOSIS, DISTAL, 1; RTA, CLASSIC TYPE; RTA, DISTAL TYPE, AUTOSOMAL DOMINANT; RTA, GRADIENT TYPE; Renal Tubular Acidosis, Type I. Identifiers: Orphanet 93608, MedGen CN280572, MONDO:0008368, OMIM 179800.

Submissions (3):

Dasa
Classification: Uncertain significance. Last evaluated: 2025-04-23. Review status: criteria provided, single submitter. Criteria: DASA Assertion Criteria. Collection method: clinical testing. Allele origin: germline.
Comment: NM_000342.4(SLC4A1):c.1400C>T (p.Pro467Leu) is a missense variant that results in the substitution of proline with leucine. This variant is absent from population databases. Computational prediction algorithms are consistent with a deleterious effect. The currently available literature and clinical evidence are not sufficient to establish a definitive association between this variant and the reported condition. Therefore, this variant is classified as a variant of uncertain significance.

Labcorp Genetics (formerly Invitae), Labcorp
Classification: Uncertain significance. Last evaluated: 2020-06-23. Review status: criteria provided, single submitter. Criteria: Invitae Variant Classification Sherloc (09022015). Collection method: clinical testing. Allele origin: germline.
Comment: In summary, the available evidence is currently insufficient to determine the role of this variant in disease. Therefore, it has been classified as a Variant of Uncertain Significance. Algorithms developed to predict the effect of missense changes on protein structure and function (SIFT, PolyPhen-2, Align-GVGD) all suggest that this variant is likely to be disruptive, but these predictions have not been confirmed by published functional studies and their clinical significance is uncertain. This variant has not been reported in the literature in individuals with SLC4A1-related conditions. This variant is not present in population databases (ExAC no frequency). This sequence change replaces proline with leucine at codon 467 of the SLC4A1 protein (p.Pro467Leu). The proline residue is highly conserved and there is a moderate physicochemical difference between proline and leucine.

Juno Genomics, Hangzhou Juno Genomics, Inc
Classification: Likely pathogenic for Autosomal dominant distal renal tubular acidosis. Review status: criteria provided, single submitter. Criteria: ACMG Guidelines, 2015. Collection method: clinical testing. Allele origin: germline. Affected: yes.
Comment: Absent from controls (or at extremely low frequency if recessive) in Genome Aggregation Database, Exome Sequencing Project, 1000 Genomes Project, or Exome Aggregation Consortium.;De novo (both maternity and paternity confirmed) in a patient with the disease and no family history.;Multiple lines of computational evidence support a deleterious effect on the gene or gene product (conservation, evolutionary, splicing impact, etc).;Patient's phenotype or family history is highly specific for a disease with a single genetic etiology.

NM_000342.4(SLC4A1):c.1400C>T (p.Pro467Leu)

Gene: SLC4A1 (solute carrier family 4 member 1 (Diego blood group); minus strand). Cytogenetic location: 17q21.31.
Variant type: single nucleotide variant.
Coding change: c.1400C>T on transcript NM_000342.4 (MANE Select); coding-DNA position 1400, C replaced by T.
Protein change: p.Pro467Leu; replaces proline 467 with leucine.
Molecular consequence: missense variant.
Genome position (GRCh38, 1-based): chr17:44,257,690, G>A on the plus strand (C>T on the coding strand, the complement: SLC4A1 is on the minus strand). VCF-style: chr17-44257690-G-A. GRCh37 (hg19) VCF-style: chr17-42335058-G-A.
Other names: short protein forms P467L.
Identifiers: ClinVar variation 1017059 (VCV001017059.11), dbSNP rs2047401850, ClinGen allele CA399787306.